The following is an entry in ClinVar:

ClinVar aggregate classification (germline): Conflicting classifications of pathogenicity. Review status: criteria provided, conflicting classifications (1 of 4 stars). 4 submissions from 4 submitters: Uncertain significance (1); Benign (1); Likely benign (2). Last evaluated 2025-04-28.

Conditions:
Familial cancer of breast. Also called: BREAST CANCER, FAMILIAL; Hereditary breast cancer; hereditary breast carcinoma. Identifiers: Orphanet 227535, MedGen C0346153, MONDO:0016419, OMIM 114480. Disease mechanism: loss of function.
Hereditary cancer-predisposing syndrome. Also called: Neoplastic Syndromes, Hereditary; Hereditary neoplastic syndrome; Tumor predisposition; Hereditary Cancer Syndrome. Identifiers: Orphanet 140162, MedGen C0027672, MeSH D009386, MONDO:0015356.
Ataxia-telangiectasia syndrome (AT). Also called: Cerebello-oculocutaneous telangiectasia; Immunodeficiency with ataxia telangiectasia; Ataxia telangiectasia (A-T); Ataxia-telangiectasia, complementation group E; LOUIS-BAR SYNDROME; Ataxia-telangiectasia. Identifiers: Orphanet 100, MedGen C0004135, MONDO:0008840, OMIM 208900.

Submissions (4):

Color Diagnostics, LLC DBA Color Health
Classification: Uncertain significance for Hereditary cancer-predisposing syndrome. Last evaluated: 2025-04-28. Review status: criteria provided, single submitter. Criteria: ACMG Guidelines, 2015. Collection method: clinical testing. Allele origin: germline.
Comment: This variant is located in the ATM protein. To our knowledge, functional studies have not been reported for this variant. This variant has not been reported in individuals affected with ATM-related disorders in the literature. This variant has not been identified in the general population by the Genome Aggregation Database (gnomAD). The available evidence is insufficient to determine the role of this variant in disease conclusively. Therefore, this variant is classified as a Variant of Uncertain Significance.

Labcorp Genetics (formerly Invitae), Labcorp
Classification: Likely benign for Ataxia-telangiectasia syndrome. Last evaluated: 2025-03-23. Review status: criteria provided, single submitter. Criteria: Invitae Variant Classification Sherloc (09022015). Collection method: clinical testing. Allele origin: germline.

Ambry Genetics
Classification: Likely benign for Hereditary cancer-predisposing syndrome. Last evaluated: 2024-12-20. Review status: criteria provided, single submitter. Criteria: Ambry Variant Classification Scheme 2023. Collection method: clinical testing. Allele origin: germline.

Myriad Genetics, Inc.
Classification: Benign for Familial cancer of breast. Last evaluated: 2024-05-02. Review status: criteria provided, single submitter. Criteria: Myriad Autosomal Dominant, Autosomal Recessive and X-Linked Classification Criteria (2023). Collection method: clinical testing. Allele origin: unknown.
Comment: This variant is considered benign. This variant is a silent/synonymous amino acid change and it is not expected to impact splicing.

NM_000051.4(ATM):c.1923A>G (p.Glu641=)

Gene: ATM (ATM serine/threonine kinase; plus strand). Cytogenetic location: 11q22.3.
Variant type: single nucleotide variant.
Coding change: c.1923A>G on transcript NM_000051.4 (MANE Select); coding-DNA position 1923, A replaced by G.
Protein change: p.Glu641=; no amino-acid change (glutamic acid 641 retained).
Molecular consequence: synonymous variant.
Genome position (GRCh38, 1-based): chr11:108,253,838, A>G. VCF-style: chr11-108253838-A-G. GRCh37 (hg19) VCF-style: chr11-108124565-A-G.
Other names: c.1923A>G, p.Glu641= (NM_001351834.2).
Identifiers: ClinVar variation 1612714 (VCV001612714.13), dbSNP rs2135366297, ClinGen allele CA476672332.